The following is an entry in ClinVar:

NM_002641.4(PIGA):c.1188G>A (p.Lys396=)

Gene: PIGA (phosphatidylinositol glycan anchor biosynthesis class A; minus strand). Cytogenetic location: Xp22.2.
Variant type: single nucleotide variant.
Coding change: c.1188G>A on transcript NM_002641.4 (MANE Select); coding-DNA position 1188, G replaced by A.
Protein change: p.Lys396=; no amino-acid change (lysine 396 retained).
Molecular consequence: synonymous variant. On other transcripts: non-coding transcript variant (2).
Genome position (GRCh38, 1-based): chrX:15,324,665, C>T on the plus strand (G>A on the coding strand, the complement: PIGA is on the minus strand). VCF-style: chrX-15324665-C-T. GRCh37 (hg19) VCF-style: chrX-15342787-C-T.
Other names: c.486G>A, p.Lys162= (NM_020473.3).
Identifiers: ClinVar variation 589910 (VCV000589910.44), dbSNP rs754561270, ClinGen allele CA10354082.

ClinVar aggregate classification (germline): Benign/Likely benign. Review status: criteria provided, multiple submitters, no conflicts (2 of 4 stars). 6 submissions from 6 submitters: Benign (2); Likely benign (3). 1 of the submissions does not count toward it. Last evaluated 2025-12-02.

Conditions:
PIGA-related disorder. Also called: PIGA-related condition.
Inborn genetic diseases. Identifiers: MedGen C0950123, MeSH D030342.
Multiple congenital anomalies-hypotonia-seizures syndrome 2 (MCAHS2). Also called: GLYCOSYLPHOSPHATIDYLINOSITOL BIOSYNTHESIS DEFECT 4; EPILEPTIC ENCEPHALOPATHY, EARLY INFANTILE, 20. Identifiers: Orphanet 300496, MedGen C3275508, MONDO:0010466, OMIM 300868.

Allele frequency attached by ClinVar (database versions not stated): TOPMed 0.00003; gnomAD 0.00006 and 0.00008; ExAC 0.00011; gnomAD exomes 0.00014.

Submissions (10):

Labcorp Genetics (formerly Invitae), Labcorp
Classification: Benign for Multiple congenital anomalies-hypotonia-seizures syndrome 2. Last evaluated: 2025-12-02. Review status: criteria provided, single submitter. Criteria: Invitae Variant Classification Sherloc (09022015). Collection method: clinical testing. Allele origin: germline.

CeGaT Center for Human Genetics Tuebingen
Classification: Likely benign. Last evaluated: 2025-11-01. Review status: criteria provided, single submitter. Criteria: CeGaT Center For Human Genetics Tuebingen Variant Classification Criteria Version 2. Collection method: clinical testing. Allele origin: germline. Affected: yes. Observed: 3 variant alleles.
Comment: PIGA: BP4, BP7, BS2

Laboratory of Genetics, Children's Clinical University Hospital Latvia
Classification: Benign. Last evaluated: 2025-02-16. Review status: criteria provided, single submitter. Criteria: ACMG Guidelines, 2015. Collection method: clinical testing. Allele origin: germline. Affected: yes.

Blueprint Genetics
Classification: Likely benign. Last evaluated: 2024-11-04. Review status: criteria provided, single submitter. Criteria: ACMG Guidelines, 2015. Collection method: clinical testing. Allele origin: germline.

Ambry Genetics
Classification: Likely benign for Inborn genetic diseases. Last evaluated: 2016-09-01. Review status: criteria provided, single submitter. Criteria: Ambry Variant Classification Scheme 2023. Collection method: clinical testing. Allele origin: germline.

PreventionGenetics, part of Exact Sciences
Classification: Likely benign for PIGA-related condition. Last evaluated: 2022-01-03. Review status: no assertion criteria provided. Collection method: clinical testing. Allele origin: germline. Not counted in ClinVar's aggregate classification.
Comment: This variant is classified as likely benign based on ACMG/AMP sequence variant interpretation guidelines (Richards et al. 2015 PMID: 25741868, with internal and published modifications).

Dr. Peter K. Rogan Lab, Western University
No classification provided (evidence only). Condition: Familial cancer of breast. Review status: no classification provided. Collection method: in vitro. Allele origin: not applicable. Functional consequence: retained intron. Not counted in ClinVar's aggregate classification.

Dr. Peter K. Rogan Lab, Western University
No classification provided (evidence only). Condition: Familial cancer of breast. Review status: no classification provided. Collection method: in vitro. Allele origin: not applicable. Functional consequence: skipped exon, retained intron. Not counted in ClinVar's aggregate classification.

Dr. Peter K. Rogan Lab, Western University
No classification provided (evidence only). Condition: Thyroid cancer, nonmedullary, 1. Review status: no classification provided. Collection method: in vitro. Allele origin: not applicable. Functional consequence: skipped exon, retained intron. Not counted in ClinVar's aggregate classification.

Dr. Peter K. Rogan Lab, Western University
No classification provided (evidence only). Condition: Nonpapillary renal cell carcinoma. Review status: no classification provided. Collection method: in vitro. Allele origin: not applicable. Functional consequence: skipped exon. Not counted in ClinVar's aggregate classification.